The following is an entry in ClinVar:

NM_001184.4(ATR):c.5444A>T (p.Asp1815Val)

Gene: ATR (ATR checkpoint kinase; minus strand). Cytogenetic location: 3q23.
Variant type: single nucleotide variant.
Coding change: c.5444A>T on transcript NM_001184.4 (MANE Select); coding-DNA position 5444, A replaced by T.
Protein change: p.Asp1815Val; replaces aspartic acid 1815 with valine.
Molecular consequence: missense variant.
Genome position (GRCh38, 1-based): chr3:142,498,711, T>A on the plus strand (A>T on the coding strand, the complement: ATR is on the minus strand). VCF-style: chr3-142498711-T-A. GRCh37 (hg19) VCF-style: chr3-142217553-T-A.
Other names: c.5252A>T, p.Asp1751Val (NM_001354579.2); short protein forms D1751V, D1815V.
Identifiers: ClinVar variation 4699176 (VCV004699176.1).

ClinVar aggregate classification (germline): Uncertain significance (1 of 4 stars; one submission).

gnomAD v4.1: 1 of 1,613,990 alleles (0.000062%); highest among the groups gnomAD compares: Non-Finnish European, 0.000085%; no homozygotes.

Submission:

Labcorp Genetics (formerly Invitae), Labcorp
Classification: Uncertain significance. Last evaluated: 2025-06-29. Review status: criteria provided, single submitter. Criteria: Invitae Variant Classification Sherloc (09022015). Collection method: clinical testing. Allele origin: germline.
Comment: This sequence change replaces aspartic acid, which is acidic and polar, with valine, which is neutral and non-polar, at codon 1815 of the ATR protein (p.Asp1815Val). This variant is not present in population databases (gnomAD no frequency). This variant has not been reported in the literature in individuals affected with ATR-related conditions. An algorithm developed to predict the effect of missense changes on protein structure and function (PolyPhen-2) suggests that this variant is likely to be disruptive. In summary, the available evidence is currently insufficient to determine the role of this variant in disease. Therefore, it has been classified as a Variant of Uncertain Significance.